The following is an entry in ClinVar:

ClinVar aggregate classification (germline): Uncertain significance (1 of 4 stars; one submission).

Conditions:
Episodic kinesigenic dyskinesia 1 (EKD1). Also called: PAROXYSMAL KINESIGENIC CHOREOATHETOSIS; Dystonia 10; DYSTONIA, FAMILIAL PAROXYSMAL; PxMD-PRRT2; PRRT2-Related Paroxysmal Kinesigenic Dyskinesia (PKD). Identifiers: Orphanet 98809, MedGen C4552000, MONDO:0100352, OMIM 128200, MONDO:0007494.
Infantile convulsions and choreoathetosis (ICCA). Also called: PRRT2-Related Paroxysmal Kinesigenic Dyskinesia with Infantile Convulsions (PKD/IC); PAROXYSMAL KINESIGENIC DYSKINESIA WITH INFANTILE CONVULSIONS. Identifiers: Orphanet 31709, MedGen C1865926, MONDO:0011178, OMIM 602066.
Seizures, benign familial infantile, 2 (BFIS2). Also called: CONVULSIONS, BENIGN FAMILIAL INFANTILE, 2. Identifiers: Orphanet 306, MedGen C1853995, MONDO:0011593, OMIM 605751.

gnomAD v4.1: 1 of 1,582,884 alleles (0.000063%); highest among the groups gnomAD compares: Non-Finnish European, 0.000086%; no homozygotes.

Submission:

Juno Genomics, Hangzhou Juno Genomics, Inc
Classification: Uncertain significance for Infantile convulsions and choreoathetosis; Episodic kinesigenic dyskinesia 1; Seizures, benign familial infantile, 2. Review status: criteria provided, single submitter. Criteria: ACMG Guidelines, 2015. Collection method: clinical testing. Allele origin: germline.
Comment: Absent from controls (or at extremely low frequency if recessive) in Genome Aggregation Database.;Multiple lines of computational evidence support a deleterious effect on the gene or gene product.

NM_145239.3(PRRT2):c.879G>A (p.Met293Ile)

Genes: MVP-DT (MVP divergent transcript; minus strand), PRRT2 (proline rich transmembrane protein 2; plus strand). Cytogenetic location: 16p11.2.
Variant type: single nucleotide variant.
Coding change: c.879G>A on transcript NM_145239.3 (MANE Select); coding-DNA position 879, G replaced by A.
Protein change: p.Met293Ile; replaces methionine 293 with isoleucine.
Molecular consequence: missense variant.
Genome position (GRCh38, 1-based): chr16:29,813,933, G>A. VCF-style: chr16-29813933-G-A. GRCh37 (hg19) VCF-style: chr16-29825254-G-A.
Other names: c.879G>A, p.Met293Ile (NM_001256442.2, NM_001256443.2, NM_001438120.1 and 2 more transcripts); short protein forms M293I.
Identifiers: ClinVar variation 5005566 (VCV005005566.2).